The following is an entry in ClinVar:

ClinVar aggregate classification (germline): Pathogenic (1 of 4 stars; one submission).

Submission:

GeneDx
Classification: Pathogenic. Last evaluated: 2018-05-16. Review status: criteria provided, single submitter. Criteria: GeneDx Variant Classification (06012015). Collection method: clinical testing. Allele origin: germline. Affected: yes.
Comment: Although the c.3088_3089delCCins10 pathogenic variant in the KCNH2 gene has not been reported to our knowledge, this variant causes a shift in reading frame starting at codon proline 1030, changing it to a glycine, and creating a premature stop codon at position 30 of the new reading frame, denoted p.Pro1030GlyfsX30. This pathogenic variant is expected to result in either an abnormal, truncated protein product or loss of protein from this allele through nonsense-mediated mRNA decay. Multiple other frameshift variants in the KCNH2 gene have been reported in the Human Gene Mutation Database in association with LQTS (Stenson et al., 2014), indicating that loss of function is a mechanism of disease for this gene. Furthermore, the c.3088_3089delCCins10 variant has not been observed in large population cohorts (Lek et al., 2016).

NM_000238.4(KCNH2):c.3088_3089delinsGGGTCTCCCG (p.Pro1030fs)

Gene: KCNH2 (potassium voltage-gated channel subfamily H member 2; minus strand). Cytogenetic location: 7q36.1.
Variant type: Indel.
Coding change: c.3088_3089delinsGGGTCTCCCG on transcript NM_000238.4 (MANE Select); coding-DNA positions 3088 to 3089, CC replaced by GGGTCTCCCG.
Protein change: p.Pro1030fs; shifts the reading frame from proline 1030.
Molecular consequence: frameshift variant.
Genome position (GRCh38, 1-based): chr7:150,947,391-150,947,392, GG replaced by CGGGAGACCC on the plus strand (CC replaced by GGGTCTCCCG on the coding strand, the reverse complement: KCNH2 is on the minus strand). VCF-style: chr7-150947391-GG-CGGGAGACCC. GRCh37 (hg19) VCF-style: chr7-150644479-GG-CGGGAGACCC.
Other names: c.2068_2069delinsGGGTCTCCCG, p.Pro690fs (NM_172057.3); short protein forms P690fs, P1030fs.
Identifiers: ClinVar variation 545950 (VCV000545950.2), dbSNP rs1554424107, ClinGen allele CA658823158.
Genomic context (GRCh38, chr7:150,947,391, plus strand): 5'-TTGAGCTGGCGCTGGAGGGCATCCAGCCTGCTCTCCACGTCGCCCCGGGGCCGCCGACCC[GG>CGGGAGACCC]GCTGGAGAGGGGGATGTTGAGGAGGCTGGGGGTGGGGGCGGGGCATCGAGGGAGCTCCTG-3'